The following is an entry in ClinVar:

ClinVar aggregate classification (germline): Benign/Likely benign. Review status: criteria provided, multiple submitters, no conflicts (2 of 4 stars). 8 submissions from 8 submitters: Benign (3); Likely benign (5). Last evaluated 2026-06-01.

Conditions:
Ventriculomegaly-cystic kidney disease. Also called: Ventriculomegaly with cystic kidney disease. Identifiers: Orphanet 443988, MedGen C1857423, MONDO:0009063, OMIM 219730.
Focal segmental glomerulosclerosis 9 (FSGS9). Identifiers: Orphanet 656, MedGen C4015555, MONDO:0014539, OMIM 616220.

Allele frequency attached by ClinVar (database versions not stated): 1000 Genomes Project 30x 0.00297; 1000 Genomes Project 0.00300; TOPMed 0.00663; ExAC 0.00664; gnomAD 0.00674 and 0.00688; gnomAD exomes 0.00675; ESP Exome Variant Server 0.00792.
gnomAD v4.1: 15,627 of 1,611,906 alleles (0.97%); highest among the groups gnomAD compares: Middle Eastern, 1.4%; 87 homozygotes.

Submissions (8):

CeGaT Center for Human Genetics Tuebingen
Classification: Benign. Last evaluated: 2026-06-01. Review status: criteria provided, single submitter. Criteria: CeGaT Center For Human Genetics Tuebingen Variant Classification Criteria Version 2. Collection method: clinical testing. Allele origin: germline. Affected: yes. Observed: 5 variant alleles.
Comment: CRB2: BP4, BS1, BS2

Labcorp Genetics (formerly Invitae), Labcorp
Classification: Benign. Last evaluated: 2026-01-20. Review status: criteria provided, single submitter. Criteria: Invitae Variant Classification Sherloc (09022015). Collection method: clinical testing. Allele origin: germline.

Mayo Clinic Laboratories, Mayo Clinic
Classification: Likely benign. Last evaluated: 2025-08-22. Review status: criteria provided, single submitter. Criteria: ACMG Guidelines, 2015. Collection method: clinical testing. Allele origin: germline. Observed: 4 variant alleles.
Comment: BS1, BS2, BP4

Genomic Medicine Center of Excellence, King Faisal Specialist Hospital and Research Centre
Classification: Likely benign. Last evaluated: 2025-08-18. Review status: criteria provided, single submitter. Criteria: ACMG Guidelines, 2015. Collection method: clinical testing. Allele origin: germline.

Fulgent Genetics
Classification: Likely benign for Ventriculomegaly-cystic kidney disease; Focal segmental glomerulosclerosis 9. Last evaluated: 2022-01-17. Review status: criteria provided, single submitter. Criteria: ACMG Guidelines, 2015. Collection method: clinical testing. Allele origin: unknown.

GeneDx
Classification: Likely benign. Last evaluated: 2021-03-05. Review status: criteria provided, single submitter. Criteria: GeneDx Variant Classification Process June 2021. Collection method: clinical testing. Allele origin: germline. Affected: yes.
Comment: This variant is associated with the following publications: (PMID: 26795916)

Genetic Services Laboratory, University of Chicago
Classification: Benign. Last evaluated: 2018-04-18. Review status: criteria provided, single submitter. Criteria: ACMG Guidelines, 2015. Collection method: clinical testing. Allele origin: germline. Affected: no.

Breakthrough Genomics
Classification: Likely benign. Review status: criteria provided, single submitter. Criteria: ACMG Guidelines, 2015. Collection method: not provided. Allele origin: germline. Inheritance: Autosomal recessive inheritance. Affected: yes.

Literature cited by the submitters: PubMed 15851977 (cited by Mayo Clinic Laboratories, Mayo Clinic); PubMed 26795916 (cited by Mayo Clinic Laboratories, Mayo Clinic); PubMed 33687977 (cited by Mayo Clinic Laboratories, Mayo Clinic).

NM_173689.7(CRB2):c.1828C>T (p.Arg610Trp)

Gene: CRB2 (crumbs cell polarity complex component 2; plus strand). Cytogenetic location: 9q33.3.
Variant type: single nucleotide variant.
Coding change: c.1828C>T on transcript NM_173689.7 (MANE Select); coding-DNA position 1828, C replaced by T.
Protein change: p.Arg610Trp; replaces arginine 610 with tryptophan.
Molecular consequence: missense variant. On other transcripts: non-coding transcript variant (1).
Genome position (GRCh38, 1-based): chr9:123,370,881, C>T. VCF-style: chr9-123370881-C-T. GRCh37 (hg19) VCF-style: chr9-126133160-C-T.
Other names: p.Arg610Trp; short protein forms R610W.
Identifiers: ClinVar variation 773229 (VCV000773229.42), dbSNP rs145286619, ClinGen allele CA5232060.